The following is an entry in ClinVar:

NM_003998.4(NFKB1):c.1117G>T (p.Asp373Tyr)

Gene: NFKB1 (nuclear factor kappa B subunit 1; plus strand). Cytogenetic location: 4q24.
Variant type: single nucleotide variant.
Coding change: c.1117G>T on transcript NM_003998.4 (MANE Select); coding-DNA position 1117, G replaced by T.
Protein change: p.Asp373Tyr; replaces aspartic acid 373 with tyrosine.
Molecular consequence: missense variant.
Genome position (GRCh38, 1-based): chr4:102,593,475, G>T. VCF-style: chr4-102593475-G-T. GRCh37 (hg19) VCF-style: chr4-103514632-G-T.
Other names: c.1114G>T, p.Asp372Tyr (NM_001165412.2, NM_001319226.2, NM_001382627.1); c.1117G>T, p.Asp373Tyr (NM_001382625.1, NM_001382626.1); c.1075G>T, p.Asp359Tyr (NM_001382628.1); short protein forms D359Y, D372Y, D373Y.
Identifiers: ClinVar variation 1422780 (VCV001422780.8), dbSNP rs2149203337, ClinGen allele CA357750386.
Genomic context (GRCh38, chr4:102,593,475, plus strand): 5'-TTAAATACAGATAAAGAAGAAGTGCAGAGGAAACGTCAGAAGCTCATGCCCAATTTTTCG[G>T]ATAGTTTCGGCGGTGGTAGTGGTGCTGGAGCTGGAGGCGGAGGCATGTTTGGTAGTGGCG-3'
Protein context (NP_003989.2, residues 363-383): KRQKLMPNFS[Asp373Tyr]SFGGGSGAGA

ClinVar aggregate classification (germline): Uncertain significance (1 of 4 stars; one submission).

Submission:

Labcorp Genetics (formerly Invitae), Labcorp
Classification: Uncertain significance. Last evaluated: 2020-12-31. Review status: criteria provided, single submitter. Criteria: Invitae Variant Classification Sherloc (09022015). Collection method: clinical testing. Allele origin: germline.
Comment: This sequence change replaces aspartic acid with tyrosine at codon 373 of the NFKB1 protein (p.Asp373Tyr). The aspartic acid residue is highly conserved and there is a large physicochemical difference between aspartic acid and tyrosine. This variant is not present in population databases (ExAC no frequency). This variant has not been reported in the literature in individuals with NFKB1-related conditions. Algorithms developed to predict the effect of missense changes on protein structure and function are either unavailable or do not agree on the potential impact of this missense change (SIFT: "Deleterious"; PolyPhen-2: "Probably Damaging"; Align-GVGD: "Class C15"). In summary, the available evidence is currently insufficient to determine the role of this variant in disease. Therefore, it has been classified as a Variant of Uncertain Significance.